The following is an entry in ClinVar:

NM_001321133.2(GOSR2):c.657C>T (p.Ser219=)

Genes: GOSR2 (golgi SNAP receptor complex member 2; plus strand), LRRC37A2 (leucine rich repeat containing 37 member A2). Cytogenetic location: 17q21.32.
Variant type: single nucleotide variant.
Coding change: c.657C>T on transcript NM_001321133.2; coding-DNA position 657, C replaced by T.
Protein change: p.Ser219=; no amino-acid change (serine 219 retained).
Molecular consequence: synonymous variant. On other transcripts: non-coding transcript variant (3).
Genome position (GRCh38, 1-based): chr17:46,966,607, C>T. VCF-style: chr17-46966607-C-T. GRCh37 (hg19) VCF-style: chr17-45043973-C-T.
Identifiers: ClinVar variation 3039554 (VCV003039554.6), dbSNP rs574745649, ClinGen allele CA8621422.

ClinVar aggregate classification (germline): Benign. Review status: criteria provided, single submitter (1 of 4 stars). 2 submissions from 2 submitters: Benign (1). 1 of the submissions does not count toward it. Last evaluated 2026-01-01.

Conditions:
GOSR2-related disorder. Also called: GOSR2-related disorders; GOSR2-related condition.

Allele frequency attached by ClinVar (database versions not stated): gnomAD 0.00031; gnomAD exomes 0.00156; 1000 Genomes Project 30x 0.00234; TOPMed 0.00008; 1000 Genomes Project 0.00260; ExAC 0.01426.
gnomAD v4.1: 850 of 687,628 alleles (0.12%); highest among the groups gnomAD compares: South Asian, 1.3%; 22 homozygotes.

Submissions (2):

CeGaT Center for Human Genetics Tuebingen
Classification: Benign. Last evaluated: 2026-01-01. Review status: criteria provided, single submitter. Criteria: CeGaT Center For Human Genetics Tuebingen Variant Classification Criteria Version 2. Collection method: clinical testing. Allele origin: germline. Affected: yes. Observed: 1 variant allele.
Comment: GOSR2: BS1, BS2

PreventionGenetics, part of Exact Sciences
Classification: Benign for GOSR2-related condition. Last evaluated: 2019-05-28. Review status: no assertion criteria provided. Collection method: clinical testing. Allele origin: germline. Not counted in ClinVar's aggregate classification.
Comment: This variant is classified as benign based on ACMG/AMP sequence variant interpretation guidelines (Richards et al. 2015 PMID: 25741868, with internal and published modifications).